The following is an entry in ClinVar:

ClinVar aggregate classification (germline): Likely benign. Review status: criteria provided, multiple submitters, no conflicts (2 of 4 stars). 2 submissions from 2 submitters: Likely benign (2). Last evaluated 2025-10-13.

Conditions:
Neuronal ceroid lipofuscinosis. Also called: Neuronal Ceroid Lipofuscinoses. Identifiers: Orphanet 216, Orphanet 79263, MedGen C0027877, MONDO:0016295. Disease mechanism: loss of function.

Allele frequency attached by ClinVar (database versions not stated): gnomAD exomes below 0.00001.

Submissions (2):

Labcorp Genetics (formerly Invitae), Labcorp
Classification: Likely benign for Neuronal ceroid lipofuscinosis. Last evaluated: 2025-10-13. Review status: criteria provided, single submitter. Criteria: Invitae Variant Classification Sherloc (09022015). Collection method: clinical testing. Allele origin: germline.

GeneDx
Classification: Likely benign. Last evaluated: 2017-05-11. Review status: criteria provided, single submitter. Criteria: GeneDx Variant Classification (06012015). Collection method: clinical testing. Allele origin: germline. Affected: yes.
Comment: This variant is considered likely benign or benign based on one or more of the following criteria: it is a conservative change, it occurs at a poorly conserved position in the protein, it is predicted to be benign by multiple in silico algorithms, and/or has population frequency not consistent with disease.

NM_001909.5(CTSD):c.780C>T (p.Ser260=)

Gene: CTSD (cathepsin D; minus strand). Cytogenetic location: 11p15.5.
Variant type: single nucleotide variant.
Coding change: c.780C>T on transcript NM_001909.5 (MANE Select); coding-DNA position 780, C replaced by T.
Protein change: p.Ser260=; no amino-acid change (serine 260 retained).
Molecular consequence: synonymous variant.
Genome position (GRCh38, 1-based): chr11:1,754,953, G>A on the plus strand (C>T on the coding strand, the complement: CTSD is on the minus strand). VCF-style: chr11-1754953-G-A. GRCh37 (hg19) VCF-style: chr11-1776183-G-A.
Identifiers: ClinVar variation 509416 (VCV000509416.10), dbSNP rs1404000220, ClinGen allele CA471983312.
Genomic context (GRCh38, chr11:1,754,953, plus strand): 5'-AGCCACTACTCACTGGTCCAGGTGGACCTGCCAGTAGGCCTTGCGGGTGACATTCAGGTA[G>A]GACAGAGAACCCTTGTAATACTTGGAGTCTGTGCCACCCAGCATCAGCTCACCCCCAGGC-3'
Protein context (NP_001900.1, residues 250-270): TDSKYYKGSL[Ser260=]YLNVTRKAYW